The following is an entry in ClinVar:

ClinVar aggregate classification (germline): Uncertain significance. Review status: criteria provided, multiple submitters, no conflicts (2 of 4 stars). 2 submissions from 2 submitters: Uncertain significance (2). Last evaluated 2025-08-18.

Conditions:
Familial hemiplegic migraine. Identifiers: MedGen C0338484, MONDO:0000700.

Submissions (2):

GeneDx
Classification: Uncertain significance. Last evaluated: 2025-08-18. Review status: criteria provided, single submitter. Criteria: GeneDx Variant Classification Process June 2021. Collection method: clinical testing. Allele origin: germline.
Comment: Not observed at significant frequency in large population cohorts (gnomAD); In silico analysis supports that this missense variant does not alter protein structure/function; Has not been previously published as pathogenic or benign to our knowledge

Labcorp Genetics (formerly Invitae), Labcorp
Classification: Uncertain significance for Familial hemiplegic migraine. Last evaluated: 2020-02-22. Review status: criteria provided, single submitter. Criteria: Invitae Variant Classification Sherloc (09022015). Collection method: clinical testing. Allele origin: germline.
Comment: In summary, the available evidence is currently insufficient to determine the role of this variant in disease. Therefore, it has been classified as a Variant of Uncertain Significance. Algorithms developed to predict the effect of sequence changes on RNA splicing suggest that this variant may create or strengthen a splice site, but this prediction has not been confirmed by published transcriptional studies. Algorithms developed to predict the effect of missense changes on protein structure and function (SIFT, PolyPhen-2, Align-GVGD) all suggest that this variant is likely to be tolerated, but these predictions have not been confirmed by published functional studies and their clinical significance is uncertain. This variant has not been reported in the literature in individuals with ATP1A2-related conditions. This variant is not present in population databases (ExAC no frequency). This sequence change replaces aspartic acid with tyrosine at codon 68 of the ATP1A2 protein (p.Asp68Tyr). The aspartic acid residue is highly conserved and there is a large physicochemical difference between aspartic acid and tyrosine.

NM_000702.4(ATP1A2):c.202G>T (p.Asp68Tyr)

Gene: ATP1A2 (ATPase Na+/K+ transporting subunit alpha 2; plus strand). Cytogenetic location: 1q23.2.
Variant type: single nucleotide variant.
Coding change: c.202G>T on transcript NM_000702.4 (MANE Select); coding-DNA position 202, G replaced by T.
Protein change: p.Asp68Tyr; replaces aspartic acid 68 with tyrosine.
Molecular consequence: missense variant.
Genome position (GRCh38, 1-based): chr1:160,123,237, G>T. VCF-style: chr1-160123237-G-T. GRCh37 (hg19) VCF-style: chr1-160093027-G-T.
Other names: short protein forms D68Y.
Identifiers: ClinVar variation 936280 (VCV000936280.11), dbSNP rs1651476108, ClinGen allele CA343230424.